The following is an entry in ClinVar:

ClinVar aggregate classification (germline): Uncertain significance (1 of 4 stars; one submission).

Allele frequency attached by ClinVar (database versions not stated): gnomAD exomes below 0.00001; ExAC 0.00002.
gnomAD v4.1: 2 of 1,613,996 alleles (0.00012%); highest among the groups gnomAD compares: South Asian, 0.0011%; no homozygotes.

Submission:

Labcorp Genetics (formerly Invitae), Labcorp
Classification: Uncertain significance. Last evaluated: 2022-07-23. Review status: criteria provided, single submitter. Criteria: Invitae Variant Classification Sherloc (09022015). Collection method: clinical testing. Allele origin: germline.
Comment: In summary, the available evidence is currently insufficient to determine the role of this variant in disease. Therefore, it has been classified as a Variant of Uncertain Significance. Algorithms developed to predict the effect of missense changes on protein structure and function are either unavailable or do not agree on the potential impact of this missense change (SIFT: "Deleterious"; PolyPhen-2: "Benign"; Align-GVGD: "Class C0"). This variant has not been reported in the literature in individuals affected with GTF2E2-related conditions. This variant is present in population databases (rs780963948, gnomAD 0.003%). This sequence change replaces lysine, which is basic and polar, with glutamine, which is neutral and polar, at codon 42 of the GTF2E2 protein (p.Lys42Gln).

NM_002095.6(GTF2E2):c.124A>C (p.Lys42Gln)

Gene: GTF2E2 (general transcription factor IIE subunit 2; minus strand). Cytogenetic location: 8p12.
Variant type: single nucleotide variant.
Coding change: c.124A>C on transcript NM_002095.6 (MANE Select); coding-DNA position 124, A replaced by C.
Protein change: p.Lys42Gln; replaces lysine 42 with glutamine.
Molecular consequence: missense variant.
Genome position (GRCh38, 1-based): chr8:30,653,475, T>G on the plus strand (A>C on the coding strand, the complement: GTF2E2 is on the minus strand). VCF-style: chr8-30653475-T-G. GRCh37 (hg19) VCF-style: chr8-30510992-T-G.
Other names: c.124A>C, p.Lys42Gln (NM_001348353.1); short protein forms K42Q.
Identifiers: ClinVar variation 2183794 (VCV002183794.4), dbSNP rs780963948, ClinGen allele CA4701098.
Genomic context (GRCh38, chr8:30,653,475, plus strand): 5'-CTAAACAATTTTACTAACCAGAATTTTGTTTAGAGCCTGACGATCCTCCATGTTCTACCT[T>G]TGTTTTCTTCTTCTTTGACGATGATGATGATGACTCAGAAGATGCTGAACGTTTTTCTAC-3'
Protein context (NP_002086.1, residues 32-52): SSSSSKKKKT[Lys42Gln]VEHGGSSGSK